The following is an entry in ClinVar:

NM_006744.4(RBP4):c.248+3C>A

Gene: RBP4 (retinol binding protein 4; minus strand). Cytogenetic location: 10q23.33.
Variant type: single nucleotide variant.
Coding change: c.248+3C>A on transcript NM_006744.4 (MANE Select); 3 bases into the intron after coding-DNA position 248, C replaced by A.
Molecular consequence: intron variant.
Genome position (GRCh38, 1-based): chr10:93,600,664, G>T on the plus strand (C>A on the coding strand, the complement: RBP4 is on the minus strand). VCF-style: chr10-93600664-G-T. GRCh37 (hg19) VCF-style: chr10-95360421-G-T.
Other names: c.242+3C>A (NM_001323518.2); c.248+3C>A (NM_001323517.1).
Identifiers: ClinVar variation 3705943 (VCV003705943.2).
Genomic context (GRCh38, chr10:93,600,664, plus strand): 5'-GCAGGCAGGGCCCTTGGGGAACCCTGGAGCGCAAAGGGCGCAGCTGCCCCGGCGGCCACT[G>T]ACTTCAAAAGACGGACTCGGCCCTTGGCTGTGGCGCTCATCTGGCCGGTCTCGTCCACGG-3'

ClinVar aggregate classification (germline): Uncertain significance (1 of 4 stars; one submission).

Submission:

Labcorp Genetics (formerly Invitae), Labcorp
Classification: Uncertain significance. Last evaluated: 2024-08-10. Review status: criteria provided, single submitter. Criteria: Invitae Variant Classification Sherloc (09022015). Collection method: clinical testing. Allele origin: germline.
Comment: This sequence change falls in intron 3 of the RBP4 gene. It does not directly change the encoded amino acid sequence of the RBP4 protein. It affects a nucleotide within the consensus splice site. This variant is not present in population databases (gnomAD no frequency). This variant has not been reported in the literature in individuals affected with RBP4-related conditions. Variants that disrupt the consensus splice site are a relatively common cause of aberrant splicing (PMID: 17576681, 9536098). Algorithms developed to predict the effect of sequence changes on RNA splicing suggest that this variant is not likely to affect RNA splicing. In summary, the available evidence is currently insufficient to determine the role of this variant in disease. Therefore, it has been classified as a Variant of Uncertain Significance.

Literature cited by the submitters: PubMed 17576681; PubMed 9536098.